The following is an entry in ClinVar:

ClinVar aggregate classification (germline): Likely benign (1 of 4 stars; one submission).

Allele frequency attached by ClinVar (database versions not stated): gnomAD 0.00001; gnomAD exomes 0.00001; TOPMed 0.00001.
gnomAD v4.1: 16 of 1,227,958 alleles (0.0013%); highest among the groups gnomAD compares: Non-Finnish European, 0.0016%; no homozygotes.

Submission:

GeneDx
Classification: Likely benign. Last evaluated: 2016-02-11. Review status: criteria provided, single submitter. Criteria: GeneDx Variant Classification (06012015). Collection method: clinical testing. Allele origin: germline. Affected: yes.
Comment: This variant is considered likely benign or benign based on one or more of the following criteria: it is a conservative change, it occurs at a poorly conserved position in the protein, it is predicted to be benign by multiple in silico algorithms, and/or has population frequency not consistent with disease.

NM_016203.4(PRKAG2):c.115-27881G>A

Gene: PRKAG2 (protein kinase AMP-activated non-catalytic subunit gamma 2; minus strand). Cytogenetic location: 7q36.1.
Variant type: single nucleotide variant.
Coding change: c.115-27881G>A on transcript NM_016203.4 (MANE Select); 27881 bases into the intron before coding-DNA position 115, G replaced by A.
Molecular consequence: intron variant. On other transcripts: 5 prime UTR variant (1).
Genome position (GRCh38, 1-based): chr7:151,814,422, C>T on the plus strand (G>A on the coding strand, the complement: PRKAG2 is on the minus strand). VCF-style: chr7-151814422-C-T. GRCh37 (hg19) VCF-style: chr7-151511508-C-T.
Other names: c.-25G>A (NM_001040633.2).
Identifiers: ClinVar variation 383594 (VCV000383594.1), dbSNP rs1057521688, ClinGen allele CA16605085.